The following is an entry in ClinVar:

NM_001614.5(ACTG1):c.569T>C (p.Met190Thr)

Gene: ACTG1 (actin gamma 1; minus strand). Cytogenetic location: 17q25.3.
Variant type: single nucleotide variant.
Coding change: c.569T>C on transcript NM_001614.5 (MANE Select); coding-DNA position 569, T replaced by C.
Protein change: p.Met190Thr; replaces methionine 190 with threonine.
Molecular consequence: missense variant. On other transcripts: non-coding transcript variant (1).
Genome position (GRCh38, 1-based): chr17:81,511,421, A>G on the plus strand (T>C on the coding strand, the complement: ACTG1 is on the minus strand). VCF-style: chr17-81511421-A-G. GRCh37 (hg19) VCF-style: chr17-79478447-A-G.
Other names: c.569T>C, p.Met190Thr (NM_001199954.3); short protein forms M190T.
Identifiers: ClinVar variation 2571882 (VCV002571882.2), dbSNP rs2544389007, ClinGen allele CA401460648.
Genomic context (GRCh38, chr17:81,511,421, plus strand): 5'-CGCACGATTTCCCGCTCGGCCGTGGTGGTGAAGCTGTAGCCTCGCTCAGTGAGGATCTTC[A>G]TGAGGTAGTCGGTCAGGTCCCGGCCAGCCAGGTCCAGACGCAGGATGGCGTGGGGGAGGG-3'
Protein context (NP_001605.1, residues 180-200): LAGRDLTDYL[Met190Thr]KILTERGYSF

ClinVar aggregate classification (germline): Uncertain significance (1 of 4 stars; one submission).

Allele frequency attached by ClinVar (database versions not stated): gnomAD exomes below 0.00001.

Submission:

GeneDx
Classification: Uncertain significance. Last evaluated: 2024-11-07. Review status: criteria provided, single submitter. Criteria: GeneDx Variant Classification Process June 2021. Collection method: clinical testing. Allele origin: germline. Affected: yes.
Comment: Not observed at significant frequency in large population cohorts (gnomAD); Missense variants in this gene are often considered pathogenic (HGMD); In silico analysis supports that this missense variant has a deleterious effect on protein structure/function; Has not been previously published as pathogenic or benign to our knowledge